The following is an entry in ClinVar:

NM_006231.4(POLE):c.2877C>G (p.Phe959Leu)

Gene: POLE (DNA polymerase epsilon, catalytic subunit; minus strand). Cytogenetic location: 12q24.33.
Variant type: single nucleotide variant.
Coding change: c.2877C>G on transcript NM_006231.4 (MANE Select); coding-DNA position 2877, C replaced by G.
Protein change: p.Phe959Leu; replaces phenylalanine 959 with leucine.
Molecular consequence: missense variant.
Genome position (GRCh38, 1-based): chr12:132,661,152, G>C on the plus strand (C>G on the coding strand, the complement: POLE is on the minus strand). VCF-style: chr12-132661152-G-C. GRCh37 (hg19) VCF-style: chr12-133237738-G-C.
Other names: short protein forms F959L.
Identifiers: ClinVar variation 3654612 (VCV003654612.2).

ClinVar aggregate classification (germline): Uncertain significance (1 of 4 stars; one submission).

Submission:

Labcorp Genetics (formerly Invitae), Labcorp
Classification: Uncertain significance. Last evaluated: 2024-05-26. Review status: criteria provided, single submitter. Criteria: Invitae Variant Classification Sherloc (09022015). Collection method: clinical testing. Allele origin: germline.
Comment: This sequence change replaces phenylalanine, which is neutral and non-polar, with leucine, which is neutral and non-polar, at codon 959 of the POLE protein (p.Phe959Leu). This variant is not present in population databases (gnomAD no frequency). This variant has not been reported in the literature in individuals affected with POLE-related conditions. Advanced modeling of protein sequence and biophysical properties (such as structural, functional, and spatial information, amino acid conservation, physicochemical variation, residue mobility, and thermodynamic stability) performed at Invitae indicates that this missense variant is expected to disrupt POLE protein function with a positive predictive value of 80%. In summary, the available evidence is currently insufficient to determine the role of this variant in disease. Therefore, it has been classified as a Variant of Uncertain Significance.